The following is an entry in ClinVar:

NM_001903.5(CTNNA1):c.1543T>G (p.Ser515Ala)

Gene: CTNNA1 (catenin alpha 1; plus strand). Cytogenetic location: 5q31.2.
Variant type: single nucleotide variant.
Coding change: c.1543T>G on transcript NM_001903.5 (MANE Select); coding-DNA position 1543, T replaced by G.
Protein change: p.Ser515Ala; replaces serine 515 with alanine.
Molecular consequence: missense variant.
Genome position (GRCh38, 1-based): chr5:138,917,895, T>G. VCF-style: chr5-138917895-T-G. GRCh37 (hg19) VCF-style: chr5-138253584-T-G.
Other names: c.1234T>G, p.Ser412Ala (NM_001290309.3); c.1174T>G, p.Ser392Ala (NM_001290310.3); c.433T>G, p.Ser145Ala (NM_001290312.1, NM_001323987.1, NM_001323988.1 and 17 more transcripts); c.1543T>G, p.Ser515Ala (NM_001323982.2, NM_001323983.1, NM_001323984.2 and 2 more transcripts); c.1450T>G, p.Ser484Ala (NM_001323986.2); c.94T>G, p.Ser32Ala (NM_001324006.1, NM_001324007.1, NM_001324008.1 and 2 more transcripts); c.340T>G, p.Ser114Ala (NM_001324011.1); c.190T>G, p.Ser64Ala (NM_001324012.1, NM_001324013.1); short protein forms S114A, S145A, S32A, S392A, S412A, S484A, S515A, S64A.
Identifiers: ClinVar variation 3221883 (VCV003221883.3), dbSNP rs2533592298, ClinGen allele CA361137425.

ClinVar aggregate classification (germline): Uncertain significance. Review status: criteria provided, multiple submitters, no conflicts (2 of 4 stars). 2 submissions from 2 submitters: Uncertain significance (2). Last evaluated 2024-11-12.

Conditions:
Hereditary cancer-predisposing syndrome. Also called: Tumor predisposition; Hereditary neoplastic syndrome; Hereditary Cancer Syndrome; Neoplastic Syndromes, Hereditary. Identifiers: Orphanet 140162, MedGen C0027672, MeSH D009386, MONDO:0015356.

Submissions (2):

Labcorp Genetics (formerly Invitae), Labcorp
Classification: Uncertain significance. Last evaluated: 2024-11-12. Review status: criteria provided, single submitter. Criteria: Invitae Variant Classification Sherloc (09022015). Collection method: clinical testing. Allele origin: germline.
Comment: This sequence change replaces serine, which is neutral and polar, with alanine, which is neutral and non-polar, at codon 515 of the CTNNA1 protein (p.Ser515Ala). This variant is not present in population databases (gnomAD no frequency). This variant has not been reported in the literature in individuals affected with CTNNA1-related conditions. ClinVar contains an entry for this variant (Variation ID: 3221883). Invitae Evidence Modeling of protein sequence and biophysical properties (such as structural, functional, and spatial information, amino acid conservation, physicochemical variation, residue mobility, and thermodynamic stability) indicates that this missense variant is not expected to disrupt CTNNA1 protein function with a negative predictive value of 80%. In summary, the available evidence is currently insufficient to determine the role of this variant in disease. Therefore, it has been classified as a Variant of Uncertain Significance.

Ambry Genetics
Classification: Uncertain significance for Hereditary cancer-predisposing syndrome. Last evaluated: 2024-03-12. Review status: criteria provided, single submitter. Criteria: Ambry Variant Classification Scheme 2023. Collection method: clinical testing. Allele origin: germline.
Comment: The p.S515A variant (also known as c.1543T>G), located in coding exon 10 of the CTNNA1 gene, results from a T to G substitution at nucleotide position 1543. The serine at codon 515 is replaced by alanine, an amino acid with similar properties. This amino acid position is conserved. In addition, the in silico prediction for this alteration is inconclusive. Based on the available evidence, the clinical significance of this alteration remains unclear.